The following is an entry in ClinVar:

ClinVar aggregate classification (germline): Uncertain significance (1 of 4 stars; one submission).

Conditions:
Kleefstra syndrome 1 (KLEFS1). Identifiers: Orphanet 261494, MedGen C0795833, MONDO:0027407, OMIM 610253.

Submission:

Labcorp Genetics (formerly Invitae), Labcorp
Classification: Uncertain significance for Kleefstra syndrome 1. Last evaluated: 2020-07-10. Review status: criteria provided, single submitter. Criteria: Invitae Variant Classification Sherloc (09022015). Collection method: clinical testing. Allele origin: germline.
Comment: In summary, the available evidence is currently insufficient to determine the role of this variant in disease. Therefore, it has been classified as a Variant of Uncertain Significance. This sequence change replaces cysteine with phenylalanine at codon 58 of the EHMT1 protein (p.Cys58Phe). The cysteine residue is moderately conserved and there is a large physicochemical difference between cysteine and phenylalanine. This variant is not present in population databases (ExAC no frequency). This variant has not been reported in the literature in individuals with EHMT1-related conditions. Algorithms developed to predict the effect of missense changes on protein structure and function are either unavailable or do not agree on the potential impact of this missense change (SIFT: "Deleterious"; PolyPhen-2: "Benign"; Align-GVGD: "Class C0").

NM_024757.5(EHMT1):c.173G>T (p.Cys58Phe)

Gene: EHMT1 (euchromatic histone lysine methyltransferase 1; plus strand). Cytogenetic location: 9q34.3.
Variant type: single nucleotide variant.
Coding change: c.173G>T on transcript NM_024757.5 (MANE Select); coding-DNA position 173, G replaced by T.
Protein change: p.Cys58Phe; replaces cysteine 58 with phenylalanine.
Molecular consequence: missense variant.
Genome position (GRCh38, 1-based): chr9:137,716,713, G>T. VCF-style: chr9-137716713-G-T. GRCh37 (hg19) VCF-style: chr9-140611165-G-T.
Other names: c.173G>T, p.Cys58Phe (NM_001145527.2, NM_001354263.2, NM_001354611.2); c.80G>T, p.Cys27Phe (NM_001354259.2, NM_001354612.2); short protein forms C27F, C58F.
Identifiers: ClinVar variation 1040212 (VCV001040212.9), dbSNP rs1188644255, ClinGen allele CA375762814.